The following is an entry in ClinVar:

NM_001348800.3(ZBTB20):c.621_622insCCGCGGGGCACTGGGG (p.Gly208fs)

Gene: ZBTB20 (zinc finger and BTB domain containing 20; minus strand). Cytogenetic location: 3q13.31.
Variant type: Microsatellite.
Coding change: c.621_622insCCGCGGGGCACTGGGG on transcript NM_001348800.3 (MANE Select); coding-DNA positions 621 to 622, CCGCGGGGCACTGGGG inserted.
Protein change: p.Gly208fs; shifts the reading frame from glycine 208.
Molecular consequence: frameshift variant.
Genome position: GRCh38 VCF-style: chr3-114351456-C-CCCCCAGTGCCCCGCGG. GRCh37 (hg19) VCF-style: chr3-114070303-C-CCCCCAGTGCCCCGCGG.
Other names: c.402_403insCCGCGGGGCACTGGGG, p.Gly135fs (NM_001348801.3, NM_001348802.3, NM_001348804.3 and 9 more transcripts); c.621_622insCCGCGGGGCACTGGGG, p.Gly208fs (NM_001348803.3, NM_001393393.1, NM_001393394.1 and 1 more transcripts); short protein forms G208fs, G135fs.
Identifiers: ClinVar variation 2766516 (VCV002766516.3), dbSNP rs2550505030.

ClinVar aggregate classification (germline): Pathogenic (1 of 4 stars; one submission).

Submission:

Labcorp Genetics (formerly Invitae), Labcorp
Classification: Pathogenic. Last evaluated: 2023-10-06. Review status: criteria provided, single submitter. Criteria: Invitae Variant Classification Sherloc (09022015). Collection method: clinical testing. Allele origin: germline.
Comment: This sequence change creates a premature translational stop signal (p.Gly208Profs*91) in the ZBTB20 gene. It is expected to result in an absent or disrupted protein product. Loss-of-function variants in ZBTB20 are known to be pathogenic (PMID: 32071410). This variant is not present in population databases (gnomAD no frequency). This variant has not been reported in the literature in individuals affected with ZBTB20-related conditions. For these reasons, this variant has been classified as Pathogenic.

Literature cited by the submitters: PubMed 32071410.